The following is an entry in ClinVar:

ClinVar aggregate classification (germline): Uncertain significance (1 of 4 stars; one submission).

Submission:

Labcorp Genetics (formerly Invitae), Labcorp
Classification: Uncertain significance. Last evaluated: 2024-11-26. Review status: criteria provided, single submitter. Criteria: Invitae Variant Classification Sherloc (09022015). Collection method: clinical testing. Allele origin: germline.
Comment: This sequence change replaces leucine, which is neutral and non-polar, with methionine, which is neutral and non-polar, at codon 294 of the CTNNA1 protein (p.Leu294Met). This variant is not present in population databases (gnomAD no frequency). This variant has not been reported in the literature in individuals affected with CTNNA1-related conditions. Invitae Evidence Modeling of protein sequence and biophysical properties (such as structural, functional, and spatial information, amino acid conservation, physicochemical variation, residue mobility, and thermodynamic stability) indicates that this missense variant is not expected to disrupt CTNNA1 protein function with a negative predictive value of 80%. In summary, the available evidence is currently insufficient to determine the role of this variant in disease. Therefore, it has been classified as a Variant of Uncertain Significance.

NM_001903.5(CTNNA1):c.880T>A (p.Leu294Met)

Gene: CTNNA1 (catenin alpha 1; plus strand). Cytogenetic location: 5q31.2.
Variant type: single nucleotide variant.
Coding change: c.880T>A on transcript NM_001903.5 (MANE Select); coding-DNA position 880, T replaced by A.
Protein change: p.Leu294Met; replaces leucine 294 with methionine.
Molecular consequence: missense variant.
Genome position (GRCh38, 1-based): chr5:138,827,536, T>A. VCF-style: chr5-138827536-T-A. GRCh37 (hg19) VCF-style: chr5-138163225-T-A.
Other names: c.880T>A, p.Leu294Met (NM_001323986.2, NM_001290307.3, NM_001323982.2 and 3 more transcripts); c.571T>A, p.Leu191Met (NM_001290309.3); c.511T>A, p.Leu171Met (NM_001290310.3); short protein forms L191M, L294M, L171M.
Identifiers: ClinVar variation 3713019 (VCV003713019.2).